The following is an entry in ClinVar:

ClinVar aggregate classification (germline): Uncertain significance (1 of 4 stars; one submission).

Conditions:
Acute myeloid leukemia (AML). Also called: Acute myeloid leukemia, adult; AML adult; Acute non-lymphocytic leukemia; Acute granulocytic leukemia; Leukemia, acute myeloid, somatic; Leukemia, acute myelogenous, somatic. Identifiers: Orphanet 519, MedGen C0023467, MeSH D015470, MONDO:0018874, OMIM 601626, HP:0004808. Disease mechanism: Constitutively activated FLT3.

Allele frequency attached by ClinVar (database versions not stated): gnomAD exomes below 0.00001.
gnomAD v4.1: 1 of 1,171,704 alleles (0.000085%); highest among the groups gnomAD compares: East Asian, 0.0039%; no homozygotes.

Submission:

Labcorp Genetics (formerly Invitae), Labcorp
Classification: Uncertain significance for Acute myeloid leukemia. Last evaluated: 2023-06-30. Review status: criteria provided, single submitter. Criteria: Invitae Variant Classification Sherloc (09022015). Collection method: clinical testing. Allele origin: germline.
Comment: This sequence change replaces proline, which is neutral and non-polar, with leucine, which is neutral and non-polar, at codon 222 of the CEBPA protein (p.Pro222Leu). In summary, the available evidence is currently insufficient to determine the role of this variant in disease. Therefore, it has been classified as a Variant of Uncertain Significance. Advanced modeling of protein sequence and biophysical properties (such as structural, functional, and spatial information, amino acid conservation, physicochemical variation, residue mobility, and thermodynamic stability) performed at Invitae indicates that this missense variant is not expected to disrupt CEBPA protein function. This variant has not been reported in the literature in individuals affected with CEBPA-related conditions. This variant is not present in population databases (gnomAD no frequency).

NM_004364.5(CEBPA):c.665C>T (p.Pro222Leu)

Gene: CEBPA (CCAAT enhancer binding protein alpha; minus strand). Cytogenetic location: 19q13.11.
Variant type: single nucleotide variant.
Coding change: c.665C>T on transcript NM_004364.5 (MANE Select); coding-DNA position 665, C replaced by T.
Protein change: p.Pro222Leu; replaces proline 222 with leucine.
Molecular consequence: missense variant.
Genome position (GRCh38, 1-based): chr19:33,301,750, G>A on the plus strand (C>T on the coding strand, the complement: CEBPA is on the minus strand). VCF-style: chr19-33301750-G-A. GRCh37 (hg19) VCF-style: chr19-33792656-G-A.
Other names: c.308C>T, p.Pro103Leu (NM_001285829.2); c.770C>T, p.Pro257Leu (NM_001287424.2); c.623C>T, p.Pro208Leu (NM_001287435.2); short protein forms P222L, P208L, P103L, P257L.
Identifiers: ClinVar variation 2752952 (VCV002752952.3), dbSNP rs2513329755, ClinGen allele CA405274457.